The following is an entry in ClinVar:

ClinVar aggregate classification (germline): Uncertain significance (1 of 4 stars; one submission).

Allele frequency attached by ClinVar (database versions not stated): TOPMed below 0.00001; gnomAD 0.00001.

Submission:

Labcorp Genetics (formerly Invitae), Labcorp
Classification: Uncertain significance. Last evaluated: 2022-02-10. Review status: criteria provided, single submitter. Criteria: Invitae Variant Classification Sherloc (09022015). Collection method: clinical testing. Allele origin: germline.
Comment: This sequence change replaces threonine, which is neutral and polar, with serine, which is neutral and polar, at codon 91 of the OR2W3 protein (p.Thr91Ser). This variant is present in population databases (no rsID available, gnomAD 0.003%). This variant has not been reported in the literature in individuals affected with OR2W3-related conditions. Algorithms developed to predict the effect of missense changes on protein structure and function are either unavailable or do not agree on the potential impact of this missense change (SIFT: "Deleterious"; PolyPhen-2: "Benign"; Align-GVGD: "Class C55"). In summary, the available evidence is currently insufficient to determine the role of this variant in disease. Therefore, it has been classified as a Variant of Uncertain Significance.

NM_001001957.2(OR2W3):c.271A>T (p.Thr91Ser)

Gene: OR2W3 (olfactory receptor family 2 subfamily W member 3; plus strand). Cytogenetic location: 1q44.
Variant type: single nucleotide variant.
Coding change: c.271A>T on transcript NM_001001957.2 (MANE Select); coding-DNA position 271, A replaced by T.
Protein change: p.Thr91Ser; replaces threonine 91 with serine.
Molecular consequence: missense variant.
Genome position (GRCh38, 1-based): chr1:247,895,857, A>T. VCF-style: chr1-247895857-A-T. GRCh37 (hg19) VCF-style: chr1-248059159-A-T.
Other names: short protein forms T91S.
Identifiers: ClinVar variation 2193155 (VCV002193155.4), dbSNP rs1279933836, ClinGen allele CA345591831.